The following is an entry in ClinVar:

NM_173551.5(ANKS6):c.425G>A (p.Arg142Gln)

Gene: ANKS6 (ankyrin repeat and sterile alpha motif domain containing 6; minus strand). Cytogenetic location: 9q22.33.
Variant type: single nucleotide variant.
Coding change: c.425G>A on transcript NM_173551.5 (MANE Select); coding-DNA position 425, G replaced by A.
Protein change: p.Arg142Gln; replaces arginine 142 with glutamine.
Molecular consequence: missense variant.
Genome position (GRCh38, 1-based): chr9:98,790,541, C>T on the plus strand (G>A on the coding strand, the complement: ANKS6 is on the minus strand). VCF-style: chr9-98790541-C-T. GRCh37 (hg19) VCF-style: chr9-101552823-C-T.
Other names: short protein forms R142Q.
Identifiers: ClinVar variation 2374569 (VCV002374569.4), dbSNP rs764519360, ClinGen allele CA5153853.

ClinVar aggregate classification (germline): Uncertain significance. Review status: criteria provided, multiple submitters, no conflicts (2 of 4 stars). 2 submissions from 2 submitters: Uncertain significance (2). Last evaluated 2025-08-13.

Conditions:
Inborn genetic diseases. Identifiers: MedGen C0950123, MeSH D030342.

Allele frequency attached by ClinVar (database versions not stated): ExAC 0.00006; TOPMed 0.00010; gnomAD 0.00012; gnomAD exomes 0.00012.
gnomAD v4.1: 187 of 1,612,984 alleles (0.012%); highest among the groups gnomAD compares: East Asian, 0.018%; no homozygotes.

Submissions (2):

Ambry Genetics
Classification: Uncertain significance for Inborn genetic diseases. Last evaluated: 2025-08-13. Review status: criteria provided, single submitter. Criteria: Ambry Variant Classification Scheme 2023. Collection method: clinical testing. Allele origin: germline.

GeneDx
Classification: Uncertain significance. Last evaluated: 2025-05-29. Review status: criteria provided, single submitter. Criteria: GeneDx Variant Classification Process June 2021. Collection method: clinical testing. Allele origin: germline. Affected: yes.
Comment: In silico analysis suggests that this missense variant does not alter protein structure/function; Has not been previously published as pathogenic or benign to our knowledge